The following is an entry in ClinVar:

ClinVar aggregate classification (germline): Uncertain significance (1 of 4 stars; one submission).

Allele frequency attached by ClinVar (database versions not stated): gnomAD exomes below 0.00001; TOPMed below 0.00001.
gnomAD v4.1: 1 of 1,614,176 alleles (0.000062%); no homozygotes.

Submission:

Labcorp Genetics (formerly Invitae), Labcorp
Classification: Uncertain significance. Last evaluated: 2025-12-30. Review status: criteria provided, single submitter. Criteria: Invitae Variant Classification Sherloc (09022015). Collection method: clinical testing. Allele origin: germline.
Comment: This sequence change replaces serine, which is neutral and polar, with glycine, which is neutral and non-polar, at codon 931 of the FAT4 protein (p.Ser931Gly). This variant is not present in population databases (gnomAD no frequency). This variant has not been reported in the literature in individuals affected with FAT4-related conditions. ClinVar contains an entry for this variant (Variation ID: 1521089). Invitae Evidence Modeling of protein sequence and biophysical properties (such as structural, functional, and spatial information, amino acid conservation, physicochemical variation, residue mobility, and thermodynamic stability) indicates that this missense variant is not expected to disrupt FAT4 protein function with a negative predictive value of 80%. In summary, the available evidence is currently insufficient to determine the role of this variant in disease. Therefore, it has been classified as a Variant of Uncertain Significance.

NM_001291303.3(FAT4):c.2791A>G (p.Ser931Gly)

Gene: FAT4 (FAT atypical cadherin 4; plus strand). Cytogenetic location: 4q28.1.
Variant type: single nucleotide variant.
Coding change: c.2791A>G on transcript NM_001291303.3 (MANE Select); coding-DNA position 2791, A replaced by G.
Protein change: p.Ser931Gly; replaces serine 931 with glycine.
Molecular consequence: missense variant.
Genome position (GRCh38, 1-based): chr4:125,319,202, A>G. VCF-style: chr4-125319202-A-G. GRCh37 (hg19) VCF-style: chr4-126240357-A-G.
Other names: c.2791A>G, p.Ser931Gly (NM_001291285.3, NM_024582.6); short protein forms S931G.
Identifiers: ClinVar variation 1521089 (VCV001521089.6), dbSNP rs1730806878, ClinGen allele CA358121111.